The following is an entry in ClinVar:

ClinVar aggregate classification (germline): Uncertain significance (1 of 4 stars; one submission).

gnomAD v4.1: 4 of 1,589,558 alleles (0.00025%); highest among the groups gnomAD compares: Admixed American, 0.0017%; no homozygotes.

Submission:

Labcorp Genetics (formerly Invitae), Labcorp
Classification: Uncertain significance. Last evaluated: 2023-12-05. Review status: criteria provided, single submitter. Criteria: Invitae Variant Classification Sherloc (09022015). Collection method: clinical testing. Allele origin: germline.
Comment: This sequence change replaces arginine, which is basic and polar, with histidine, which is basic and polar, at codon 295 of the WNT3A protein (p.Arg295His). The frequency data for this variant in the population databases is considered unreliable, as metrics indicate poor data quality at this position in the gnomAD database. This variant has not been reported in the literature in individuals affected with WNT3A-related conditions. Advanced modeling of protein sequence and biophysical properties (such as structural, functional, and spatial information, amino acid conservation, physicochemical variation, residue mobility, and thermodynamic stability) performed at Invitae indicates that this missense variant is expected to disrupt WNT3A protein function with a positive predictive value of 80%. In summary, the available evidence is currently insufficient to determine the role of this variant in disease. Therefore, it has been classified as a Variant of Uncertain Significance.

NM_033131.4(WNT3A):c.884G>A (p.Arg295His)

Gene: WNT3A (Wnt family member 3A; plus strand). Cytogenetic location: 1q42.13.
Variant type: single nucleotide variant.
Coding change: c.884G>A on transcript NM_033131.4 (MANE Select); coding-DNA position 884, G replaced by A.
Protein change: p.Arg295His; replaces arginine 295 with histidine.
Molecular consequence: missense variant.
Genome position (GRCh38, 1-based): chr1:228,059,290, G>A. VCF-style: chr1-228059290-G-A. GRCh37 (hg19) VCF-style: chr1-228246991-G-A.
Other names: short protein forms R295H.
Identifiers: ClinVar variation 2701165 (VCV002701165.3), dbSNP rs1356967553, ClinGen allele CA345337122.